The following is an entry in ClinVar:

ClinVar aggregate classification (germline): Uncertain significance (1 of 4 stars; one submission).

Submission:

Labcorp Genetics (formerly Invitae), Labcorp
Classification: Uncertain significance. Last evaluated: 2023-11-24. Review status: criteria provided, single submitter. Criteria: Invitae Variant Classification Sherloc (09022015). Collection method: clinical testing. Allele origin: unknown.
Comment: A copy number gain of the genomic region encompassing the full coding sequence of the SPPL2A gene has been identified. The boundaries of this event are unknown as they extend beyond the assayed region for this gene and therefore may encompass additional genes. As the precise location of this event is unknown, it may be in tandem or it may be located elsewhere in the genome. This variant has not been reported in the literature in individuals affected with SPPL2A-related conditions. In summary, the available evidence is currently insufficient to determine the role of this variant in disease. Therefore, it has been classified as a Variant of Uncertain Significance.

NC_000015.9:g.(?_50731271)_(51634264_?)dup

Genes: AP4E1 (adaptor related protein complex 4 subunit epsilon 1; plus strand), CYP19A1 (cytochrome P450 family 19 subfamily A member 1; minus strand), GLDN (gliomedin; plus strand), SPPL2A (signal peptide peptidase like 2A; minus strand), TNFAIP8L3 (TNF alpha induced protein 8 like 3; minus strand) and 3 more. Cytogenetic location: 15q21.2.
Variant type: Duplication.
Identifiers: ClinVar variation 3243901 (VCV003243901.1).